The following is an entry in ClinVar:

ClinVar aggregate classification (germline): Benign/Likely benign. Review status: criteria provided, multiple submitters, no conflicts (2 of 4 stars). 4 submissions from 4 submitters: Benign (3); Likely benign (1). Last evaluated 2025-12-21.

Conditions:
Inborn genetic diseases. Identifiers: MedGen C0950123, MeSH D030342.
Angelman syndrome-like. Identifiers: MedGen CN128785.
Developmental and epileptic encephalopathy, 2 (DEE2). Also called: INFANTILE SPASM SYNDROME, X-LINKED 2; CDKL5 deficiency disorder. Identifiers: Orphanet 1934, Orphanet 3451, Orphanet 505652, MedGen C4750718, MONDO:0010396, OMIM 300672.

Allele frequency attached by ClinVar (database versions not stated): gnomAD exomes 0.00002 and 0.00011; ExAC 0.00014; 1000 Genomes Project 0.00026; gnomAD 0.00029 and 0.00033; TOPMed 0.00039; 1000 Genomes Project 30x 0.00042; ESP Exome Variant Server 0.00085.
gnomAD v4.1: 62 of 1,210,444 alleles (0.0051%); highest among the groups gnomAD compares: African/African-American, 0.099%; no homozygotes.

Submissions (4):

Labcorp Genetics (formerly Invitae), Labcorp
Classification: Benign for Developmental and epileptic encephalopathy, 2; Angelman syndrome-like. Last evaluated: 2025-12-21. Review status: criteria provided, single submitter. Criteria: Invitae Variant Classification Sherloc (09022015). Collection method: clinical testing. Allele origin: germline.

Ambry Genetics
Classification: Likely benign for Inborn genetic diseases. Last evaluated: 2018-01-23. Review status: criteria provided, single submitter. Criteria: Ambry Variant Classification Scheme 2023. Collection method: clinical testing. Allele origin: germline.

Eurofins Ntd Llc (ga)
Classification: Benign. Last evaluated: 2016-06-23. Review status: criteria provided, single submitter. Criteria: EGL Classification Definitions 2015. Collection method: clinical testing. Allele origin: germline. Observed: 1 variant allele, 1 hemizygote.

GeneDx
Classification: Benign. Last evaluated: 2015-04-02. Review status: criteria provided, single submitter. Criteria: GeneDx Variant Classification (06012015). Collection method: clinical testing. Allele origin: germline. Affected: yes.
Comment: This variant is considered likely benign or benign based on one or more of the following criteria: it is a conservative change, it occurs at a poorly conserved position in the protein, it is predicted to be benign by multiple in silico algorithms, and/or has population frequency not consistent with disease.

NM_001323289.2(CDKL5):c.1338A>T (p.Ser446=)

Gene: CDKL5 (cyclin dependent kinase like 5; plus strand). Cytogenetic location: Xp22.13.
Variant type: single nucleotide variant.
Coding change: c.1338A>T on transcript NM_001323289.2 (MANE Select); coding-DNA position 1338, A replaced by T.
Protein change: p.Ser446=; no amino-acid change (serine 446 retained).
Molecular consequence: synonymous variant.
Genome position (GRCh38, 1-based): chrX:18,604,262, A>T. VCF-style: chrX-18604262-A-T. GRCh37 (hg19) VCF-style: chrX-18622382-A-T.
Other names: c.1338A>T, p.Ser446= (NM_001037343.2, NM_003159.3).
Identifiers: ClinVar variation 288260 (VCV000288260.20), dbSNP rs139329419, ClinGen allele CA10360374.